The following is an entry in ClinVar:

ClinVar aggregate classification (germline): Uncertain significance (1 of 4 stars; one submission).

Submission:

GeneDx
Classification: Uncertain significance. Last evaluated: 2024-04-25. Review status: criteria provided, single submitter. Criteria: GeneDx Variant Classification Process June 2021. Collection method: clinical testing. Allele origin: germline. Affected: yes.
Comment: Not observed at significant frequency in large population cohorts (gnomAD); In silico analysis supports that this missense variant has a deleterious effect on protein structure/function; Has not been previously published as pathogenic or benign to our knowledge

NM_013275.6(ANKRD11):c.301G>T (p.Gly101Trp)

Gene: ANKRD11 (ankyrin repeat domain containing 11; minus strand). Cytogenetic location: 16q24.3.
Variant type: single nucleotide variant.
Coding change: c.301G>T on transcript NM_013275.6 (MANE Select); coding-DNA position 301, G replaced by T.
Protein change: p.Gly101Trp; replaces glycine 101 with tryptophan.
Molecular consequence: missense variant. On other transcripts: non-coding transcript variant (1).
Genome position (GRCh38, 1-based): chr16:89,291,109, C>A on the plus strand (G>T on the coding strand, the complement: ANKRD11 is on the minus strand). VCF-style: chr16-89291109-C-A. GRCh37 (hg19) VCF-style: chr16-89357517-C-A.
Other names: c.301G>T, p.Gly101Trp (NM_001256182.2, NM_001256183.2); short protein forms G101W.
Identifiers: ClinVar variation 1315398 (VCV001315398.3), dbSNP rs1373571533, ClinGen allele CA397167764.